The following is an entry in ClinVar:

ClinVar aggregate classification (germline): Uncertain significance. Review status: criteria provided, multiple submitters, no conflicts (2 of 4 stars). 2 submissions from 2 submitters: Uncertain significance (2). Last evaluated 2024-06-06.

Conditions:
Erythrocytosis, familial, 3 (ECYT3). Identifiers: Orphanet 247511, MedGen C1853286, MONDO:0012353, OMIM 609820.

Allele frequency attached by ClinVar (database versions not stated): gnomAD exomes 0.00001; TOPMed 0.00001; gnomAD 0.00002.

Submissions (2):

Ambry Genetics
Classification: Uncertain significance. Last evaluated: 2024-06-06. Review status: criteria provided, single submitter. Criteria: Ambry Variant Classification Scheme 2023. Collection method: clinical testing. Allele origin: germline.
Comment: The p.P117L variant (also known as c.350C>T), located in coding exon 1 of the EGLN1 gene, results from a C to T substitution at nucleotide position 350. The proline at codon 117 is replaced by leucine, an amino acid with similar properties. This amino acid position is conserved. In addition, this alteration is predicted to be tolerated by in silico analysis. Since supporting evidence is limited at this time, the clinical significance of this alteration remains unclear.

Labcorp Genetics (formerly Invitae), Labcorp
Classification: Uncertain significance for Erythrocytosis, familial, 3. Last evaluated: 2023-11-27. Review status: criteria provided, single submitter. Criteria: Invitae Variant Classification Sherloc (09022015). Collection method: clinical testing. Allele origin: germline.
Comment: This sequence change replaces proline, which is neutral and non-polar, with leucine, which is neutral and non-polar, at codon 117 of the EGLN1 protein (p.Pro117Leu). This variant is present in population databases (no rsID available, gnomAD 0.01%). This variant has not been reported in the literature in individuals affected with EGLN1-related conditions. ClinVar contains an entry for this variant (Variation ID: 1372744). An algorithm developed to predict the effect of missense changes on protein structure and function (PolyPhen-2) suggests that this variant is likely to be disruptive. In summary, the available evidence is currently insufficient to determine the role of this variant in disease. Therefore, it has been classified as a Variant of Uncertain Significance.

NM_022051.3(EGLN1):c.350C>T (p.Pro117Leu)

Gene: EGLN1 (egl-9 family hypoxia inducible factor 1; minus strand). Cytogenetic location: 1q42.2.
Variant type: single nucleotide variant.
Coding change: c.350C>T on transcript NM_022051.3 (MANE Select); coding-DNA position 350, C replaced by T.
Protein change: p.Pro117Leu; replaces proline 117 with leucine.
Molecular consequence: missense variant.
Genome position (GRCh38, 1-based): chr1:231,421,539, G>A on the plus strand (C>T on the coding strand, the complement: EGLN1 is on the minus strand). VCF-style: chr1-231421539-G-A. GRCh37 (hg19) VCF-style: chr1-231557285-G-A.
Other names: c.350C>T, p.Pro117Leu (NM_001377260.1, NM_001377261.1); short protein forms P117L.
Identifiers: ClinVar variation 1372744 (VCV001372744.11), dbSNP rs1050394369, ClinGen allele CA38948857.
Genomic context (GRCh38, chr1:231,421,539, plus strand): 5'-GCCGAGCCCTGGCCGCCGGCGGCCGCACGACACGGCGACGCGGCCGCCGCTGGGTCGGCC[G>A]GGGGCTTGGCCTTTACTTTTCCCTTGGCCGCGTCCCCGGAGGCGTTGTCCCGGCGCGCCG-3'
Protein context (NP_071334.1, residues 107-127): AAKGKVKAKP[Pro117Leu]ADPAAAASPC